The following is an entry in ClinVar:

NM_003803.4(MYOM1):c.1805T>A (p.Val602Glu)

Gene: MYOM1 (myomesin 1; minus strand). Cytogenetic location: 18p11.31.
Variant type: single nucleotide variant.
Coding change: c.1805T>A on transcript NM_003803.4 (MANE Select); coding-DNA position 1805, T replaced by A.
Protein change: p.Val602Glu; replaces valine 602 with glutamic acid.
Molecular consequence: missense variant.
Genome position (GRCh38, 1-based): chr18:3,151,732, A>T on the plus strand (T>A on the coding strand, the complement: MYOM1 is on the minus strand). VCF-style: chr18-3151732-A-T. GRCh37 (hg19) VCF-style: chr18-3151730-A-T.
Other names: c.1805T>A, p.Val602Glu (NM_019856.2); short protein forms V602E.
Identifiers: ClinVar variation 1004084 (VCV001004084.8), dbSNP rs2080224677, ClinGen allele CA401714073.
Genomic context (GRCh38, chr18:3,151,732, plus strand): 5'-CTGAAAAATGAAAAGTGCTTACTTTTAAGTCTAGCTTTCTCAGCCGGATCCAGAGCAGCC[A>T]CGGGCTCGGAAACTCGAGATGGGAAACCTATTCCCATTTTATTCACAGCTCGAACTCGGA-3'
Protein context (NP_003794.3, residues 592-612): IGFPSRVSEP[Val602Glu]AALDPAEKAR

ClinVar aggregate classification (germline): Uncertain significance (1 of 4 stars; one submission).

Conditions:
Hypertrophic cardiomyopathy. Also called: HYPERTROPHIC MYOCARDIOPATHY. Identifiers: Orphanet 217569, MedGen C0007194, MeSH D002312, MONDO:0005045, HP:0001639.

Allele frequency attached by ClinVar (database versions not stated): gnomAD exomes below 0.00001; gnomAD 0.00001; TOPMed 0.00001.
gnomAD v4.1: 3 of 1,613,758 alleles (0.00019%); highest among the groups gnomAD compares: Non-Finnish European, 0.00025%; no homozygotes.

Submission:

Labcorp Genetics (formerly Invitae), Labcorp
Classification: Uncertain significance for Hypertrophic cardiomyopathy. Last evaluated: 2023-08-17. Review status: criteria provided, single submitter. Criteria: Invitae Variant Classification Sherloc (09022015). Collection method: clinical testing. Allele origin: germline.
Comment: In summary, the available evidence is currently insufficient to determine the role of this variant in disease. Therefore, it has been classified as a Variant of Uncertain Significance. Advanced modeling of protein sequence and biophysical properties (such as structural, functional, and spatial information, amino acid conservation, physicochemical variation, residue mobility, and thermodynamic stability) performed at Invitae indicates that this missense variant is expected to disrupt MYOM1 protein function. ClinVar contains an entry for this variant (Variation ID: 1004084). This variant has not been reported in the literature in individuals affected with MYOM1-related conditions. This variant is not present in population databases (gnomAD no frequency). This sequence change replaces valine, which is neutral and non-polar, with glutamic acid, which is acidic and polar, at codon 602 of the MYOM1 protein (p.Val602Glu).